The following is an entry in ClinVar:

ClinVar aggregate classification (germline): Uncertain significance (1 of 4 stars; one submission).

gnomAD v4.1: 1 of 1,614,028 alleles (0.000062%); highest among the groups gnomAD compares: Non-Finnish European, 0.000085%; no homozygotes.

Submission:

CeGaT Center for Human Genetics Tuebingen
Classification: Uncertain significance. Last evaluated: 2024-07-01. Review status: criteria provided, single submitter. Criteria: CeGaT Center For Human Genetics Tuebingen Variant Classification Criteria Version 2. Collection method: clinical testing. Allele origin: germline. Affected: yes. Observed: 1 variant allele.
Comment: MALT1: PM2, BP4

NM_006785.4(MALT1):c.2284C>G (p.His762Asp)

Gene: MALT1 (MALT1 paracaspase; plus strand). Cytogenetic location: 18q21.32.
Variant type: single nucleotide variant.
Coding change: c.2284C>G on transcript NM_006785.4 (MANE Select); coding-DNA position 2284, C replaced by G.
Protein change: p.His762Asp; replaces histidine 762 with aspartic acid.
Molecular consequence: missense variant.
Genome position (GRCh38, 1-based): chr18:58,747,651, C>G. VCF-style: chr18-58747651-C-G. GRCh37 (hg19) VCF-style: chr18-56414883-C-G.
Other names: c.2251C>G, p.His751Asp (NM_173844.3); short protein forms H751D, H762D.
Identifiers: ClinVar variation 3257369 (VCV003257369.17).
Genomic context (GRCh38, chr18:58,747,651, plus strand): 5'-GCCACCTCAGGAGGAGCAGGGCATTATCACTCATTGCAAGACCCATTCCATGGTGTTTAC[C>G]ATTCACATCCTGGTAATCCAAGTAATGTTACACCAGCAGATAGCTGTCATTGCAGCCGGA-3'
Protein context (NP_006776.1, residues 752-772): SLQDPFHGVY[His762Asp]SHPGNPSNVT